The following is an entry in ClinVar:

ClinVar aggregate classification (germline): Benign/Likely benign. Review status: criteria provided, multiple submitters, no conflicts (2 of 4 stars). 12 submissions from 12 submitters: Benign (6); Likely benign (2). 4 of the submissions do not count toward it. Last evaluated 2026-02-04.

Conditions:
Ornithine carbamoyltransferase deficiency (OTCD). Also called: ORNITHINE TRANSCARBAMYLASE DEFICIENCY, HYPERAMMONEMIA DUE TO; OTC DEFICIENCY; Ornithine Carbamoyltransferase Deficiency Disease; ORNITHINE TRANSCARBAMYLASE DEFICIENCY. Identifiers: Orphanet 664, MedGen C0268542, MONDO:0010703, OMIM 311250.
OTC-related disorder. Also called: OTC-related condition.
Inborn genetic diseases. Identifiers: MedGen C0950123, MeSH D030342.

Allele frequency attached by ClinVar (database versions not stated): gnomAD exomes 0.00037 and 0.00162; gnomAD 0.00058 and 0.00069; TOPMed 0.00076; ExAC 0.00131; 1000 Genomes Project 30x 0.00250; 1000 Genomes Project 0.00291.
gnomAD v4.1: 498 of 1,152,072 alleles (0.043%); highest among the groups gnomAD compares: East Asian, 1.3%; 1 homozygote.

Submissions (12):

Labcorp Genetics (formerly Invitae), Labcorp
Classification: Benign for Ornithine carbamoyltransferase deficiency. Last evaluated: 2026-02-04. Review status: criteria provided, single submitter. Criteria: Invitae Variant Classification Sherloc (09022015). Collection method: clinical testing. Allele origin: germline.

Blueprint Genetics
Classification: Likely benign. Last evaluated: 2024-10-17. Review status: criteria provided, single submitter. Criteria: ACMG Guidelines, 2015. Collection method: clinical testing. Allele origin: germline.

Color Diagnostics, LLC DBA Color Health
Classification: Benign for Ornithine carbamoyltransferase deficiency. Last evaluated: 2022-04-21. Review status: criteria provided, single submitter. Criteria: ACMG Guidelines, 2015. Collection method: clinical testing. Allele origin: germline.

Mendelics
Classification: Benign for Ornithine carbamoyltransferase deficiency. Last evaluated: 2019-05-28. Review status: criteria provided, single submitter. Criteria: Mendelics Assertion Criteria 2017. Collection method: clinical testing. Allele origin: unknown.

Illumina Laboratory Services, Illumina
Classification: Likely benign for Ornithine carbamoyltransferase deficiency. Last evaluated: 2018-02-27. Review status: criteria provided, single submitter. Criteria: ICSL Variant Classification Criteria 13 December 2019. Collection method: clinical testing. Allele origin: germline.
Comment: This variant was observed as part of a predisposition screen in an ostensibly healthy population. A literature search was performed for the gene, cDNA change, and amino acid change (where applicable). No publications were found based on this search. Allele frequency data from public databases allowed determination this variant is unlikely to cause disease. Therefore, this variant is classified as likely benign.

Ambry Genetics
Classification: Benign for Inborn genetic diseases. Last evaluated: 2016-11-09. Review status: criteria provided, single submitter. Criteria: Ambry Variant Classification Scheme 2023. Collection method: clinical testing. Allele origin: germline.

GeneDx
Classification: Benign. Last evaluated: 2016-08-25. Review status: criteria provided, single submitter. Criteria: GeneDx Variant Classification (06012015). Collection method: clinical testing. Allele origin: germline. Affected: yes.
Comment: This variant is considered likely benign or benign based on one or more of the following criteria: it is a conservative change, it occurs at a poorly conserved position in the protein, it is predicted to be benign by multiple in silico algorithms, and/or has population frequency not consistent with disease.

Eurofins Ntd Llc (ga)
Classification: Benign. Last evaluated: 2015-08-28. Review status: criteria provided, single submitter. Criteria: EGL Classification Definitions 2015. Collection method: clinical testing. Allele origin: germline. Observed: 1 variant allele, 1 heterozygote.

PreventionGenetics, part of Exact Sciences
Classification: Benign for OTC-related condition. Last evaluated: 2020-04-21. Review status: no assertion criteria provided. Collection method: clinical testing. Allele origin: germline. Not counted in ClinVar's aggregate classification.
Comment: This variant is classified as benign based on ACMG/AMP sequence variant interpretation guidelines (Richards et al. 2015 PMID: 25741868, with internal and published modifications).

Natera, Inc.
Classification: Benign for Ornithine transcarbamylase deficiency. Last evaluated: 2020-04-03. Review status: no assertion criteria provided. Collection method: clinical testing. Allele origin: germline. Not counted in ClinVar's aggregate classification.

SingHealth Duke-NUS Institute of Precision Medicine
Classification: Uncertain significance for Ornithine carbamoyltransferase deficiency. Last evaluated: 2017-06-07. Review status: no assertion criteria provided. Collection method: curation. Allele origin: germline. Affected: no. Not counted in ClinVar's aggregate classification.

GenMed Metabolism Lab
Classification: Pathogenic. Review status: no assertion criteria provided. Collection method: not provided. Allele origin: unknown. Not counted in ClinVar's aggregate classification.
ClinVar note: Converted during submission from pathogenic to Pathogenic.

NM_000531.6(OTC):c.298+5G>C

Gene: OTC (ornithine transcarbamylase; plus strand). Cytogenetic location: Xp11.4.
Variant type: single nucleotide variant.
Coding change: c.298+5G>C on transcript NM_000531.6 (MANE Select); 5 bases into the intron after coding-DNA position 298, G replaced by C.
Molecular consequence: intron variant.
Genome position (GRCh38, 1-based): chrX:38,369,882, G>C. VCF-style: chrX-38369882-G-C. GRCh37 (hg19) VCF-style: chrX-38229135-G-C.
Identifiers: ClinVar variation 97162 (VCV000097162.29), dbSNP rs72554348, ClinGen allele CA224546.